The following is an entry in ClinVar:

NM_001365308.1(BMPER):c.322T>C (p.Cys108Arg)

Gene: BMPER (BMP binding endothelial regulator; plus strand). Cytogenetic location: 7p14.3.
Variant type: single nucleotide variant.
Coding change: c.322T>C on transcript NM_001365308.1 (MANE Select); coding-DNA position 322, T replaced by C.
Protein change: p.Cys108Arg; replaces cysteine 108 with arginine.
Molecular consequence: missense variant.
Genome position (GRCh38, 1-based): chr7:33,966,481, T>C. VCF-style: chr7-33966481-T-C. GRCh37 (hg19) VCF-style: chr7-34006093-T-C.
Other names: c.322T>C (NM_133468.4); c.322T>C, p.Cys108Arg (NM_001410872.1, NM_133468.5); short protein forms C108R.
Identifiers: ClinVar variation 2064544 (VCV002064544.6), dbSNP rs982118740, ClinGen allele CA156796913.

ClinVar aggregate classification (germline): Uncertain significance. Review status: criteria provided, multiple submitters, no conflicts (2 of 4 stars). 3 submissions from 3 submitters: Uncertain significance (3). Last evaluated 2024-03-14.

Allele frequency attached by ClinVar (database versions not stated): gnomAD exomes 0.00005; gnomAD 0.00002; TOPMed 0.00003.
gnomAD v4.1: 70 of 1,613,250 alleles (0.0043%); highest among the groups gnomAD compares: Non-Finnish European, 0.0057%; no homozygotes.

Submissions (3):

GeneDx
Classification: Uncertain significance. Last evaluated: 2024-03-14. Review status: criteria provided, single submitter. Criteria: GeneDx Variant Classification Process June 2021. Collection method: clinical testing. Allele origin: germline. Affected: yes.
Comment: Identified in the compound heterozygous state with a large deletion encompassing the BMPER gene in a patient with clinical features of diaphanospondylodysostosis and survival into childhood (PMID: 28815954); In silico analysis supports that this missense variant has a deleterious effect on protein structure/function; Not observed at significant frequency in large population cohorts (gnomAD); This variant is associated with the following publications: (PMID: 28815954, 34288564, 35328179, 35240322)

Women's Health and Genetics/Laboratory Corporation of America, LabCorp
Classification: Uncertain significance. Last evaluated: 2023-07-27. Review status: criteria provided, single submitter. Criteria: LabCorp Variant Classification Summary - May 2015. Collection method: clinical testing. Allele origin: germline.
Comment: Variant summary: BMPER c.322T>C (p.Cys108Arg) results in a non-conservative amino acid change in the encoded protein sequence. Five of five in-silico tools predict a damaging effect of the variant on protein function. 4/4 computational tools predict no significant impact on normal splicing. However, these predictions have yet to be confirmed by functional studies. The variant allele was found at a frequency of 1.2e-05 in 251218 control chromosomes. The available data on variant occurrences in the general population are insufficient to allow any conclusion about variant significance. c.322T>C has been reported in the literature in individuals affected with Diaphanospondylodysostosisn (Legare_2017). This report does not provide unequivocal conclusions about association of the variant with Diaphanospondylodysostosis. To our knowledge, no experimental evidence demonstrating an impact on protein function has been reported. The following publication have been ascertained in the context of this evaluation (PMID: 28815954). One submitter has cited clinical-significance assessments for this variant to ClinVar after 2014 and has classified the variant as uncertain significance. Based on the evidence outlined above, the variant was classified as uncertain significance.

Labcorp Genetics (formerly Invitae), Labcorp
Classification: Uncertain significance. Last evaluated: 2022-07-02. Review status: criteria provided, single submitter. Criteria: Invitae Variant Classification Sherloc (09022015). Collection method: clinical testing. Allele origin: germline.
Comment: In summary, the available evidence is currently insufficient to determine the role of this variant in disease. Therefore, it has been classified as a Variant of Uncertain Significance. Algorithms developed to predict the effect of missense changes on protein structure and function are either unavailable or do not agree on the potential impact of this missense change (SIFT: "Deleterious"; PolyPhen-2: "Probably Damaging"; Align-GVGD: "Class C0"). This missense change has been observed in individual(s) with diaphanospondylodysostosis (PMID: 28815954). In at least one individual the data is consistent with being in trans (on the opposite chromosome) from a pathogenic variant. This variant is present in population databases (no rsID available, gnomAD 0.002%). This sequence change replaces cysteine, which is neutral and slightly polar, with arginine, which is basic and polar, at codon 108 of the BMPER protein (p.Cys108Arg).

Literature cited by the submitters: PubMed 28815954 (cited by Women's Health and Genetics/Laboratory Corporation of America, LabCorp and Labcorp Genetics (formerly Invitae), Labcorp).